The following is an entry in ClinVar:

NM_001903.5(CTNNA1):c.770A>T (p.Asn257Ile)

Gene: CTNNA1 (catenin alpha 1; plus strand). Cytogenetic location: 5q31.2.
Variant type: single nucleotide variant.
Coding change: c.770A>T on transcript NM_001903.5 (MANE Select); coding-DNA position 770, A replaced by T.
Protein change: p.Asn257Ile; replaces asparagine 257 with isoleucine.
Molecular consequence: missense variant.
Genome position (GRCh38, 1-based): chr5:138,824,711, A>T. VCF-style: chr5-138824711-A-T. GRCh37 (hg19) VCF-style: chr5-138160400-A-T.
Other names: c.770A>T, p.Asn257Ile (NM_001290307.3, NM_001323982.2, NM_001323983.1 and 3 more transcripts); c.461A>T, p.Asn154Ile (NM_001290309.3); c.401A>T, p.Asn134Ile (NM_001290310.3); short protein forms N154I, N134I, N257I.
Identifiers: ClinVar variation 653680 (VCV000653680.16), dbSNP rs78627784, ClinGen allele CA3431555.
Genomic context (GRCh38, chr5:138,824,711, plus strand): 5'-ATAAGGCCAACAGGGACCTGATATACAAGCAGCTGCAGCAGGCGGTCACAGGCATTTCCA[A>T]TGCAGCCCAGGCCACTGCCTCAGACGATGCCTCACAGCACCAGGGTGGAGGAGGAGGAGA-3'
Protein context (NP_001894.2, residues 247-267): QLQQAVTGIS[Asn257Ile]AAQATASDDA

ClinVar aggregate classification (germline): Uncertain significance. Review status: criteria provided, multiple submitters, no conflicts (2 of 4 stars). 4 submissions from 4 submitters: Uncertain significance (4). Last evaluated 2025-12-29.

Conditions:
Hereditary cancer-predisposing syndrome. Also called: Neoplastic Syndromes, Hereditary; Tumor predisposition; Hereditary Cancer Syndrome; Hereditary neoplastic syndrome. Identifiers: Orphanet 140162, MedGen C0027672, MeSH D009386, MONDO:0015356.

Allele frequency attached by ClinVar (database versions not stated): TOPMed 0.00004.
gnomAD v4.1: 48 of 1,614,094 alleles (0.003%); highest among the groups gnomAD compares: Admixed American, 0.005%; no homozygotes.

Submissions (4):

Center for Genomic Medicine, Rigshospitalet, Copenhagen University Hospital
Classification: Uncertain significance. Last evaluated: 2025-12-29. Review status: criteria provided, single submitter. Criteria: ACMG Guidelines, 2015. Collection method: clinical testing. Allele origin: germline.

Ambry Genetics
Classification: Uncertain significance for Hereditary cancer-predisposing syndrome. Last evaluated: 2025-11-26. Review status: criteria provided, single submitter. Criteria: Ambry Variant Classification Scheme 2023. Collection method: clinical testing. Allele origin: germline.

Labcorp Genetics (formerly Invitae), Labcorp
Classification: Uncertain significance. Last evaluated: 2025-09-10. Review status: criteria provided, single submitter. Criteria: Invitae Variant Classification Sherloc (09022015). Collection method: clinical testing. Allele origin: germline.
Comment: This sequence change replaces asparagine, which is neutral and polar, with isoleucine, which is neutral and non-polar, at codon 257 of the CTNNA1 protein (p.Asn257Ile). This variant is present in population databases (rs78627784, gnomAD 0.009%). This variant has not been reported in the literature in individuals affected with CTNNA1-related conditions. ClinVar contains an entry for this variant (Variation ID: 653680). Invitae Evidence Modeling of protein sequence and biophysical properties (such as structural, functional, and spatial information, amino acid conservation, physicochemical variation, residue mobility, and thermodynamic stability) indicates that this missense variant is not expected to disrupt CTNNA1 protein function with a negative predictive value of 80%. In summary, the available evidence is currently insufficient to determine the role of this variant in disease. Therefore, it has been classified as a Variant of Uncertain Significance.

GeneDx
Classification: Uncertain significance. Last evaluated: 2023-01-23. Review status: criteria provided, single submitter. Criteria: GeneDx Variant Classification Process June 2021. Collection method: clinical testing. Allele origin: germline. Affected: yes.
Comment: In silico analysis supports that this missense variant has a deleterious effect on protein structure/function; Observed in individuals referred for hereditary cancer genetic testing (Clark et al., 2020); This variant is associated with the following publications: (PMID: 32051609)